The following is an entry in ClinVar:

NM_004656.4(BAP1):c.1305G>T (p.Gly435=)

Gene: BAP1 (BRCA1 associated deubiquitinase 1; minus strand). Cytogenetic location: 3p21.1.
Variant type: single nucleotide variant.
Coding change: c.1305G>T on transcript NM_004656.4 (MANE Select); coding-DNA position 1305, G replaced by T.
Protein change: p.Gly435=; no amino-acid change (glycine 435 retained).
Molecular consequence: synonymous variant.
Genome position (GRCh38, 1-based): chr3:52,403,840, C>A on the plus strand (G>T on the coding strand, the complement: BAP1 is on the minus strand). VCF-style: chr3-52403840-C-A. GRCh37 (hg19) VCF-style: chr3-52437856-C-A.
Identifiers: ClinVar variation 490791 (VCV000490791.14), dbSNP rs756784645, ClinGen allele CA74740971.

ClinVar aggregate classification (germline): Benign/Likely benign. Review status: criteria provided, multiple submitters, no conflicts (2 of 4 stars). 3 submissions from 3 submitters: Benign (1); Likely benign (2). Last evaluated 2025-08-15.

Conditions:
Hereditary cancer-predisposing syndrome. Also called: Hereditary Cancer Syndrome; Neoplastic Syndromes, Hereditary; Tumor predisposition; Hereditary neoplastic syndrome. Identifiers: Orphanet 140162, MedGen C0027672, MeSH D009386, MONDO:0015356.
BAP1-related tumor predisposition syndrome (TPDS1). Also called: Tumor susceptibility linked to germline BAP1 mutations; BAP1 tumor predisposition syndrome; COMMON Syndrome; TUMOR PREDISPOSITION SYNDROME 1. Identifiers: Orphanet 289539, MedGen C3280492, MONDO:0013692, OMIM 614327.

Allele frequency attached by ClinVar (database versions not stated): gnomAD exomes below 0.00001.
gnomAD v4.1: 2 of 1,614,100 alleles (0.00012%); highest among the groups gnomAD compares: Non-Finnish European, 0.00017%; no homozygotes.

Submissions (3):

Labcorp Genetics (formerly Invitae), Labcorp
Classification: Likely benign for BAP1-related tumor predisposition syndrome. Last evaluated: 2025-08-15. Review status: criteria provided, single submitter. Criteria: Invitae Variant Classification Sherloc (09022015). Collection method: clinical testing. Allele origin: germline.

Myriad Genetics, Inc.
Classification: Benign for BAP1-related tumor predisposition syndrome. Last evaluated: 2024-07-16. Review status: criteria provided, single submitter. Criteria: Myriad Autosomal Dominant, Autosomal Recessive and X-Linked Classification Criteria (2023). Collection method: clinical testing. Allele origin: unknown.
Comment: This variant is considered benign. This variant is a silent/synonymous amino acid change and it is not expected to impact splicing.

Color Diagnostics, LLC DBA Color Health
Classification: Likely benign for Hereditary cancer-predisposing syndrome. Last evaluated: 2016-11-03. Review status: criteria provided, single submitter. Criteria: ACMG Guidelines, 2015. Collection method: clinical testing. Allele origin: germline.